The following is an entry in ClinVar:

ClinVar aggregate classification (germline): Conflicting classifications of pathogenicity. Review status: criteria provided, conflicting classifications (1 of 4 stars). 2 submissions from 2 submitters: Uncertain significance (1); Likely benign (1). Last evaluated 2025-04-15.

Conditions:
Cardiovascular phenotype. Identifiers: MedGen CN230736.
Legius syndrome. Identifiers: Orphanet 137605, MedGen C1969623, MONDO:0012669, OMIM 611431. Disease mechanism: loss of function.

Allele frequency attached by ClinVar (database versions not stated): gnomAD exomes below 0.00001; TOPMed below 0.00001; gnomAD 0.00003 and 0.00004.
gnomAD v4.1: 6 of 1,614,016 alleles (0.00037%); highest among the groups gnomAD compares: African/African-American, 0.0067%; no homozygotes.

Submissions (2):

Labcorp Genetics (formerly Invitae), Labcorp
Classification: Uncertain significance for Legius syndrome. Last evaluated: 2025-04-15. Review status: criteria provided, single submitter. Criteria: Invitae Variant Classification Sherloc (09022015). Collection method: clinical testing. Allele origin: germline.
Comment: This sequence change replaces glutamine, which is neutral and polar, with arginine, which is basic and polar, at codon 281 of the SPRED1 protein (p.Gln281Arg). This variant is present in population databases (no rsID available, gnomAD 0.02%). This variant has not been reported in the literature in individuals affected with SPRED1-related conditions. ClinVar contains an entry for this variant (Variation ID: 536691). Invitae Evidence Modeling incorporating data from in vitro experimental studies (internal data) indicates that this missense variant is not expected to disrupt SPRED1 function with a negative predictive value of 95%. In summary, the available evidence is currently insufficient to determine the role of this variant in disease. Therefore, it has been classified as a Variant of Uncertain Significance.

Ambry Genetics
Classification: Likely benign for Cardiovascular phenotype. Last evaluated: 2025-02-19. Review status: criteria provided, single submitter. Criteria: Ambry Variant Classification Scheme 2023. Collection method: clinical testing. Allele origin: germline.

NM_152594.3(SPRED1):c.842A>G (p.Gln281Arg)

Gene: SPRED1 (sprouty related EVH1 domain containing 1; plus strand). Cytogenetic location: 15q14.
Variant type: single nucleotide variant.
Coding change: c.842A>G on transcript NM_152594.3 (MANE Select); coding-DNA position 842, A replaced by G.
Protein change: p.Gln281Arg; replaces glutamine 281 with arginine.
Molecular consequence: missense variant.
Genome position (GRCh38, 1-based): chr15:38,351,171, A>G. VCF-style: chr15-38351171-A-G. GRCh37 (hg19) VCF-style: chr15-38643372-A-G.
Other names: short protein forms Q281R.
Identifiers: ClinVar variation 536691 (VCV000536691.12), dbSNP rs1427402192, ClinGen allele CA391933371.